The following is an entry in ClinVar:

NM_006231.4(POLE):c.5590A>G (p.Ile1864Val)

Gene: POLE (DNA polymerase epsilon, catalytic subunit; minus strand). Cytogenetic location: 12q24.33.
Variant type: single nucleotide variant.
Coding change: c.5590A>G on transcript NM_006231.4 (MANE Select); coding-DNA position 5590, A replaced by G.
Protein change: p.Ile1864Val; replaces isoleucine 1864 with valine.
Molecular consequence: missense variant.
Genome position (GRCh38, 1-based): chr12:132,638,102, T>C on the plus strand (A>G on the coding strand, the complement: POLE is on the minus strand). VCF-style: chr12-132638102-T-C. GRCh37 (hg19) VCF-style: chr12-133214688-T-C.
Other names: c.5590A>G (NM_006231.2); short protein forms I1864V.
Identifiers: ClinVar variation 860529 (VCV000860529.10), dbSNP rs2042070838, ClinGen allele CA387374149.
Genomic context (GRCh38, chr12:132,638,102, plus strand): 5'-TGGCATCTTCCACACGGCGCTTCTTTGTACAGAGGATGATGCGGTTGAAGTTGGCGTAGA[T>C]GACTGATGACCCCAGGCGCTTGAACTCAGCGATGAGCCTGTGGAGCAAGTTGAGAGTCCG-3'
Protein context (NP_006222.2, residues 1854-1874): AEFKRLGSSV[Ile1864Val]YANFNRIILC

ClinVar aggregate classification (germline): Conflicting classifications of pathogenicity. Review status: criteria provided, conflicting classifications (1 of 4 stars). 2 submissions from 2 submitters: Uncertain significance (1); Likely benign (1). Last evaluated 2024-03-24.

Conditions:
Hereditary cancer-predisposing syndrome. Also called: Tumor predisposition; Hereditary neoplastic syndrome; Neoplastic Syndromes, Hereditary; Hereditary Cancer Syndrome. Identifiers: Orphanet 140162, MedGen C0027672, MeSH D009386, MONDO:0015356.

Submissions (2):

Ambry Genetics
Classification: Likely benign for Hereditary cancer-predisposing syndrome. Last evaluated: 2024-03-24. Review status: criteria provided, single submitter. Criteria: Ambry Variant Classification Scheme 2023. Collection method: clinical testing. Allele origin: germline.

Labcorp Genetics (formerly Invitae), Labcorp
Classification: Uncertain significance. Last evaluated: 2024-02-29. Review status: criteria provided, single submitter. Criteria: Invitae Variant Classification Sherloc (09022015). Collection method: clinical testing. Allele origin: germline.
Comment: This sequence change replaces isoleucine, which is neutral and non-polar, with valine, which is neutral and non-polar, at codon 1864 of the POLE protein (p.Ile1864Val). This variant is not present in population databases (gnomAD no frequency). This variant has not been reported in the literature in individuals affected with POLE-related conditions. ClinVar contains an entry for this variant (Variation ID: 860529). Advanced modeling of protein sequence and biophysical properties (such as structural, functional, and spatial information, amino acid conservation, physicochemical variation, residue mobility, and thermodynamic stability) performed at Invitae indicates that this missense variant is not expected to disrupt POLE protein function with a negative predictive value of 80%. In summary, the available evidence is currently insufficient to determine the role of this variant in disease. Therefore, it has been classified as a Variant of Uncertain Significance.